The following is an entry in ClinVar:

NM_014633.5(CTR9):c.355A>G (p.Met119Val)

Gene: CTR9 (CTR9 component of Paf1/RNA polymerase II complex; plus strand). Cytogenetic location: 11p15.4.
Variant type: single nucleotide variant.
Coding change: c.355A>G on transcript NM_014633.5 (MANE Select); coding-DNA position 355, A replaced by G.
Protein change: p.Met119Val; replaces methionine 119 with valine.
Molecular consequence: missense variant.
Genome position (GRCh38, 1-based): chr11:10,755,168, A>G. VCF-style: chr11-10755168-A-G. GRCh37 (hg19) VCF-style: chr11-10776715-A-G.
Other names: c.355A>G, p.Met119Val (NM_001346279.2); short protein forms M119V.
Identifiers: ClinVar variation 1346870 (VCV001346870.6), dbSNP rs2135356216, ClinGen allele CA379659879.
Genomic context (GRCh38, chr11:10,755,168, plus strand): 5'-AAAGAAAAGAATAAGGACAATAAAAAGGATCTTATTACACAGGCCACCTTGTTGTATACA[A>G]TGGCCGATAAAATTATTATGTATGATCAGGTAAAAATAAAGTCAAATTTCTTTCCATTTA-3'
Protein context (NP_055448.1, residues 109-129): LITQATLLYT[Met119Val]ADKIIMYDQN

ClinVar aggregate classification (germline): Uncertain significance (1 of 4 stars; one submission).

Allele frequency attached by ClinVar (database versions not stated): gnomAD exomes below 0.00001.

Submission:

Labcorp Genetics (formerly Invitae), Labcorp
Classification: Uncertain significance. Last evaluated: 2021-10-12. Review status: criteria provided, single submitter. Criteria: Invitae Variant Classification Sherloc (09022015). Collection method: clinical testing. Allele origin: germline.
Comment: In summary, the available evidence is currently insufficient to determine the role of this variant in disease. Therefore, it has been classified as a Variant of Uncertain Significance. Algorithms developed to predict the effect of sequence changes on RNA splicing suggest that this variant may create or strengthen a splice site. Algorithms developed to predict the effect of missense changes on protein structure and function (SIFT, PolyPhen-2, Align-GVGD) all suggest that this variant is likely to be tolerated. This variant has not been reported in the literature in individuals affected with CTR9-related conditions. This variant is not present in population databases (ExAC no frequency). This sequence change replaces methionine with valine at codon 119 of the CTR9 protein (p.Met119Val). The methionine residue is moderately conserved and there is a small physicochemical difference between methionine and valine.